The following is an entry in ClinVar:

NM_024312.5(GNPTAB):c.3082A>T (p.Arg1028Ter)

Gene: GNPTAB (N-acetylglucosamine-1-phosphate transferase subunits alpha and beta; minus strand). Cytogenetic location: 12q23.2.
Variant type: single nucleotide variant.
Coding change: c.3082A>T on transcript NM_024312.5 (MANE Select); coding-DNA position 3082, A replaced by T.
Protein change: p.Arg1028Ter; replaces arginine 1028 with a stop codon.
Molecular consequence: nonsense.
Genome position (GRCh38, 1-based): chr12:101,761,180, T>A on the plus strand (A>T on the coding strand, the complement: GNPTAB is on the minus strand). VCF-style: chr12-101761180-T-A. GRCh37 (hg19) VCF-style: chr12-102154958-T-A.
Other names: short protein forms R1028*.
Identifiers: ClinVar variation 983574 (VCV000983574.4), dbSNP rs1952986419, ClinGen allele CA386295195.

ClinVar aggregate classification (germline): Likely pathogenic (1 of 4 stars; one submission).

Conditions:
GNPTAB-mucolipidosis. Also called: UDP-N-acetylglucosamine-1-phosphotransferase subunit alpha/beta deficiency. Identifiers: MedGen CN322573, MONDO:0100122.

Submission:

Myriad Genetics, Inc.
Classification: Likely pathogenic for GNPTAB-mucolipidosis. Last evaluated: 2019-12-28. Review status: criteria provided, single submitter. Criteria: Myriad Autosomal Dominant, Autosomal Recessive and X-Linked Classification Criteria (2023). Collection method: clinical testing. Allele origin: unknown.
Comment: NM_024312.4(GNPTAB):c.3082A>T(R1028*) is expected to be pathogenic in the context of GNPTAB-related disorders. This variant is predicted to lead to an abnormal or absent protein product due to the creation of a premature termination codon in GNPTAB, a gene where loss-of-function variants are known to be pathogenic. Please note: this variant was assessed in the context of healthy population screening.